The following is an entry in ClinVar:

ClinVar aggregate classification (germline): Uncertain significance (1 of 4 stars; one submission).

Conditions:
Congenital disorder of glycosylation type Ir (CDG1R). Also called: DDOST-congenital disorder of glycosylation. Identifiers: Orphanet 300536, MedGen C3281084, MONDO:0013789, OMIM 614507.

gnomAD v4.1: 4 of 1,614,134 alleles (0.00025%); highest among the groups gnomAD compares: Non-Finnish European, 0.00034%; no homozygotes.

Submission:

Labcorp Genetics (formerly Invitae), Labcorp
Classification: Uncertain significance for Congenital disorder of glycosylation type Ir. Last evaluated: 2024-10-22. Review status: criteria provided, single submitter. Criteria: Invitae Variant Classification Sherloc (09022015). Collection method: clinical testing. Allele origin: germline.
Comment: This sequence change replaces isoleucine, which is neutral and non-polar, with phenylalanine, which is neutral and non-polar, at codon 111 of the DDOST protein (p.Ile111Phe). This variant is not present in population databases (gnomAD no frequency). This variant has not been reported in the literature in individuals affected with DDOST-related conditions. ClinVar contains an entry for this variant (Variation ID: 1954867). Invitae Evidence Modeling of protein sequence and biophysical properties (such as structural, functional, and spatial information, amino acid conservation, physicochemical variation, residue mobility, and thermodynamic stability) indicates that this missense variant is not expected to disrupt DDOST protein function with a negative predictive value of 80%. In summary, the available evidence is currently insufficient to determine the role of this variant in disease. Therefore, it has been classified as a Variant of Uncertain Significance.

NM_005216.5(DDOST):c.280A>T (p.Ile94Phe)

Gene: DDOST (dolichyl-diphosphooligosaccharide--protein glycosyltransferase non-catalytic subunit; minus strand). Cytogenetic location: 1p36.12.
Variant type: single nucleotide variant.
Coding change: c.280A>T on transcript NM_005216.5 (MANE Select); coding-DNA position 280, A replaced by T.
Protein change: p.Ile94Phe; replaces isoleucine 94 with phenylalanine.
Molecular consequence: missense variant.
Genome position (GRCh38, 1-based): chr1:20,656,173, T>A on the plus strand (A>T on the coding strand, the complement: DDOST is on the minus strand). VCF-style: chr1-20656173-T-A. GRCh37 (hg19) VCF-style: chr1-20982666-T-A.
Other names: short protein forms I94F.
Identifiers: ClinVar variation 1954867 (VCV001954867.5), dbSNP rs200375864, ClinGen allele CA338854150.